The following is an entry in ClinVar:

NM_004656.4(BAP1):c.1304G>C (p.Gly435Ala)

Gene: BAP1 (BRCA1 associated deubiquitinase 1; minus strand). Cytogenetic location: 3p21.1.
Variant type: single nucleotide variant.
Coding change: c.1304G>C on transcript NM_004656.4 (MANE Select); coding-DNA position 1304, G replaced by C.
Protein change: p.Gly435Ala; replaces glycine 435 with alanine.
Molecular consequence: missense variant.
Genome position (GRCh38, 1-based): chr3:52,403,841, C>G on the plus strand (G>C on the coding strand, the complement: BAP1 is on the minus strand). VCF-style: chr3-52403841-C-G. GRCh37 (hg19) VCF-style: chr3-52437857-C-G.
Other names: c.1250G>C, p.Gly417Ala (NM_001410772.1); short protein forms G417A, G435A.
Identifiers: ClinVar variation 1769483 (VCV001769483.2), dbSNP rs2153226758, ClinGen allele CA353102233.

ClinVar aggregate classification (germline): Uncertain significance (1 of 4 stars; one submission).

Conditions:
Hereditary cancer-predisposing syndrome. Also called: Hereditary Cancer Syndrome; Hereditary neoplastic syndrome; Neoplastic Syndromes, Hereditary; Tumor predisposition. Identifiers: Orphanet 140162, MedGen C0027672, MeSH D009386, MONDO:0015356.

Submission:

Ambry Genetics
Classification: Uncertain significance for Hereditary cancer-predisposing syndrome. Last evaluated: 2021-08-17. Review status: criteria provided, single submitter. Criteria: Ambry Variant Classification Scheme 2023. Collection method: clinical testing. Allele origin: germline.
Comment: The p.G435A variant (also known as c.1304G>C), located in coding exon 13 of the BAP1 gene, results from a G to C substitution at nucleotide position 1304. The glycine at codon 435 is replaced by alanine, an amino acid with similar properties. This amino acid position is highly conserved in available vertebrate species. In addition, the in silico prediction for this alteration is inconclusive. Since supporting evidence is limited at this time, the clinical significance of this alteration remains unclear.